The following is an entry in ClinVar:

NM_001037132.4(NRCAM):c.3186del (p.Val1063fs)

Gene: NRCAM (neuronal cell adhesion molecule; minus strand). Cytogenetic location: 7q31.1.
Variant type: Deletion.
Coding change: c.3186del on transcript NM_001037132.4 (MANE Select); coding-DNA position 3186, one base deleted (A; older notation c.3186delA).
Protein change: p.Val1063fs; shifts the reading frame from valine 1063.
Molecular consequence: frameshift variant. On other transcripts: non-coding transcript variant (3), intron variant (34).
Genome position (GRCh38, 1-based): chr7:108,175,323, T deleted on the plus strand (A on the coding strand, the reverse complement: NRCAM is on the minus strand); the first of 3 consecutive T bases (chr7:108,175,323-108,175,325); deleting any one gives the same sequence. VCF-style (leftmost placement, unchanged base first): chr7-108175322-CT-C. GRCh37 (hg19) VCF-style: chr7-107815767-CT-C.
Other names: c.3186del, p.Ala1063fs (NM_001193582.2, NM_001371128.1, NM_001371144.1 and 1 more transcripts); c.3129del, p.Ala1044fs (NM_001193583.2, NM_001371122.1, NM_001371139.1 and 6 more transcripts); c.3138del, p.Val1047fs (NM_001371119.1); c.3195del, p.Ala1066fs (NM_001371123.1, NM_001371149.1); c.3129del, p.Val1044fs (NM_001371124.1, NM_001371126.1, NM_001371145.1 and 1 more transcripts); c.2841del, p.Ala948fs (NM_001371125.1, NM_001371147.1); c.3183del, p.Ala1062fs (NM_001371127.1); c.3105del, p.Ala1036fs (NM_001371129.1, NM_001371132.1); and 21 more; short protein forms A1036fs, A1044fs, A1047fs, A1055fs, A1062fs, A1063fs, A1066fs, A948fs.
Identifiers: ClinVar variation 3765746 (VCV003765746.1).

ClinVar aggregate classification (germline): Likely pathogenic (1 of 4 stars; one submission).

Conditions:
Neurodevelopmental disorder with neuromuscular and skeletal abnormalities (NEDNMS). Identifiers: MedGen C5676965, MONDO:0859236, OMIM 619833.

Submission:

Greenwood Genetic Center Diagnostic Laboratories, Greenwood Genetic Center
Classification: Likely pathogenic for Neurodevelopmental disorder with neuromuscular and skeletal abnormalities. Last evaluated: 2024-11-05. Review status: criteria provided, single submitter. Criteria: ACMG Guidelines, 2015. Collection method: clinical testing. Allele origin: germline. Affected: yes.
Comment: PVS1, PM2